The following is an entry in ClinVar:

NM_001355436.2(SPTB):c.2092C>T (p.Gln698Ter)

Gene: SPTB (spectrin beta, erythrocytic; minus strand). Cytogenetic location: 14q23.3.
Variant type: single nucleotide variant.
Coding change: c.2092C>T on transcript NM_001355436.2 (MANE Select); coding-DNA position 2092, C replaced by T.
Protein change: p.Gln698Ter; replaces glutamine 698 with a stop codon.
Molecular consequence: nonsense.
Genome position (GRCh38, 1-based): chr14:64,793,571, G>A on the plus strand (C>T on the coding strand, the complement: SPTB is on the minus strand). VCF-style: chr14-64793571-G-A. GRCh37 (hg19) VCF-style: chr14-65260289-G-A.
Other names: p.Gln698*; c.2092C>T, p.Gln698Ter (NM_001024858.4, NM_001355437.2); short protein forms Q698*.
Identifiers: ClinVar variation 2794832 (VCV002794832.4), dbSNP rs2082714521, ClinGen allele CA390019294.

ClinVar aggregate classification (germline): Pathogenic/Likely pathogenic. Review status: criteria provided, multiple submitters, no conflicts (2 of 4 stars). 2 submissions from 2 submitters: Pathogenic (1); Likely pathogenic (1). Last evaluated 2025-10-14.

Submissions (2):

Mayo Clinic Laboratories, Mayo Clinic
Classification: Likely pathogenic. Last evaluated: 2025-10-14. Review status: criteria provided, single submitter. Criteria: ACMG Guidelines, 2015. Collection method: clinical testing. Allele origin: germline. Observed: 1 variant allele.
Comment: PM2_supporting, PVS1

Labcorp Genetics (formerly Invitae), Labcorp
Classification: Pathogenic. Last evaluated: 2023-08-30. Review status: criteria provided, single submitter. Criteria: Invitae Variant Classification Sherloc (09022015). Collection method: clinical testing. Allele origin: germline.
Comment: This sequence change creates a premature translational stop signal (p.Gln698*) in the SPTB gene. It is expected to result in an absent or disrupted protein product. Loss-of-function variants in SPTB are known to be pathogenic (PMID: 1391962, 1498324, 8844207, 26830532, 27292444). For these reasons, this variant has been classified as Pathogenic. This variant has not been reported in the literature in individuals affected with SPTB-related conditions. This variant is not present in population databases (gnomAD no frequency).

Literature cited by the submitters: PubMed 1391962 (cited by Labcorp Genetics (formerly Invitae), Labcorp); PubMed 1498324 (cited by Labcorp Genetics (formerly Invitae), Labcorp); PubMed 8844207 (cited by Labcorp Genetics (formerly Invitae), Labcorp); PubMed 26830532 (cited by Labcorp Genetics (formerly Invitae), Labcorp); PubMed 27292444 (cited by Labcorp Genetics (formerly Invitae), Labcorp).